The following is an entry in ClinVar:

ClinVar aggregate classification (germline): Pathogenic. Review status: criteria provided, multiple submitters, no conflicts (2 of 4 stars). 2 submissions from 2 submitters: Pathogenic (2). Last evaluated 2024-04-27.

Conditions:
Familial adenomatous polyposis 3. Also called: NTHL1-Related Adenomatous Polyposis and Colorectal Cancer; NTHL1 Tumor Syndrome; NTHL1-related attenuated familial adenomatous polyposis; NTHL1-associated polyposis. Identifiers: Orphanet 220460, Orphanet 454840, MedGen C4225157, MONDO:0014630, OMIM 616415.

Submissions (2):

Labcorp Genetics (formerly Invitae), Labcorp
Classification: Pathogenic. Last evaluated: 2024-04-27. Review status: criteria provided, single submitter. Criteria: Invitae Variant Classification Sherloc (09022015). Collection method: clinical testing. Allele origin: germline.
Comment: This sequence change creates a premature translational stop signal (p.Pro29Thrfs*9) in the NTHL1 gene. It is expected to result in an absent or disrupted protein product. Loss-of-function variants in NTHL1 are known to be pathogenic (PMID: 25938944, 26559593). This variant is not present in population databases (gnomAD no frequency). This variant has not been reported in the literature in individuals affected with NTHL1-related conditions. For these reasons, this variant has been classified as Pathogenic.

Myriad Genetics, Inc.
Classification: Pathogenic for Familial adenomatous polyposis 3. Last evaluated: 2023-08-31. Review status: criteria provided, single submitter. Criteria: Myriad Autosomal Dominant, Autosomal Recessive and X-Linked Classification Criteria (2023). Collection method: clinical testing. Allele origin: unknown.
Comment: This variant is considered pathogenic. This variant creates a frameshift predicted to result in premature protein truncation.

Literature cited by the submitters: PubMed 25938944 (cited by Labcorp Genetics (formerly Invitae), Labcorp); PubMed 26559593 (cited by Labcorp Genetics (formerly Invitae), Labcorp).

NM_002528.7(NTHL1):c.48_60dup (p.Pro21fs)

Gene: NTHL1 (nth like DNA glycosylase 1; minus strand). Cytogenetic location: 16p13.3.
Variant type: Duplication.
Coding change: c.48_60dup on transcript NM_002528.7 (MANE Select); coding-DNA positions 48 to 60, 13 bases duplicated (ACCCGGGGCTGGG).
Protein change: p.Pro21fs; shifts the reading frame from proline 21.
Molecular consequence: frameshift variant. On other transcripts: 5 prime UTR variant (1).
Genome position (GRCh38, 1-based): chr16:2,047,764-2,047,776, CCCAGCCCCGGGT duplicated on the plus strand (ACCCGGGGCTGGG on the coding strand, the reverse complement: NTHL1 is on the minus strand); duplicating any 13 consecutive bases within chr16:2,047,764-2,047,781 gives the same sequence; the c. name uses the placement nearest the transcript's 3' end. VCF-style (leftmost placement, unchanged base first): chr16-2047763-G-GCCCAGCCCCGGGT. GRCh37 (hg19) VCF-style: chr16-2097764-G-GCCCAGCCCCGGGT.
Other names: c.48_60dup, p.Pro21fs (NM_001318193.2); c.-131_-119dup (NM_001318194.2); short protein forms P21fs.
Identifiers: ClinVar variation 2673817 (VCV002673817.3), dbSNP rs2548331721, ClinGen allele CA2695197417.